The following is an entry in ClinVar:

NM_004646.4(NPHS1):c.3286+2dup

Gene: NPHS1 (NPHS1 adhesion molecule, nephrin; minus strand). Cytogenetic location: 19q13.12.
Variant type: Duplication.
Coding change: c.3286+2dup on transcript NM_004646.4 (MANE Select); the canonical splice donor site of the intron after coding-DNA position 3286, one base duplicated (T; older notation c.3286+2dupT).
Molecular consequence: splice donor variant.
Genome position (GRCh38, 1-based): chr19:35,831,641, A duplicated on the plus strand (T on the coding strand, the reverse complement: NPHS1 is on the minus strand). VCF-style (leftmost placement, unchanged base first): chr19-35831640-C-CA. GRCh37 (hg19) VCF-style: chr19-36322542-C-CA.
Identifiers: ClinVar variation 5004765 (VCV005004765.1).

ClinVar aggregate classification (germline): Uncertain significance (1 of 4 stars; one submission).

Conditions:
Finnish congenital nephrotic syndrome (NPHS1). Also called: NEPHROTIC SYNDROME, TYPE 1. Identifiers: Orphanet 839, MedGen C0403399, MONDO:0009732, OMIM 256300.

Submission:

Myriad Genetics, Inc.
Classification: Uncertain significance for Finnish congenital nephrotic syndrome. Last evaluated: 2026-06-30. Review status: criteria provided, single submitter. Criteria: Myriad Autosomal Dominant, Autosomal Recessive and X-Linked Classification Criteria (2023). Collection method: clinical testing. Allele origin: unknown.
Comment: NM_004646.3(NPHS1):c.3286+2dupT is a variant in a canonical splice site classified as a variant of uncertain significance in the context of nephrotic syndrome, NPHS1-related. c.3286+2dupT has not been observed in cases with relevant disease. Relevant functional assessments of this variant are not available in the literature. c.3286+2dupT has not been observed in referenced population frequency databases. In summary, there is insufficient evidence to classify NM_004646.3(NPHS1):c.3286+2dupT as pathogenic or benign. Please note: this variant was assessed in the context of healthy population screening.